The following is an entry in ClinVar:

NM_021008.4(DEAF1):c.1396A>T (p.Thr466Ser)

Genes: DEAF1 (DEAF1 transcription factor; minus strand), LOC126861109 (BRD4-independent group 4 enhancer GRCh37_chr11:673917-675116; plus strand). Cytogenetic location: 11p15.5.
Variant type: single nucleotide variant.
Coding change: c.1396A>T on transcript NM_021008.4 (MANE Select); coding-DNA position 1396, A replaced by T.
Protein change: p.Thr466Ser; replaces threonine 466 with serine.
Molecular consequence: missense variant.
Genome position (GRCh38, 1-based): chr11:674,643, T>A on the plus strand (A>T on the coding strand, the complement: DEAF1 is on the minus strand). VCF-style: chr11-674643-T-A. GRCh37 (hg19) VCF-style: chr11-674643-T-A.
Other names: c.1129A>T, p.Thr377Ser (NM_001293634.2); c.670A>T, p.Thr224Ser (NM_001367390.1); short protein forms T224S, T377S, T466S.
Identifiers: ClinVar variation 2829562 (VCV002829562.3), dbSNP rs1554941498, ClinGen allele CA378923900.

ClinVar aggregate classification (germline): Uncertain significance (1 of 4 stars; one submission).

gnomAD v4.1: 1 of 1,614,146 alleles (0.000062%); highest among the groups gnomAD compares: Non-Finnish European, 0.000085%; no homozygotes.

Submission:

Labcorp Genetics (formerly Invitae), Labcorp
Classification: Uncertain significance. Last evaluated: 2023-01-17. Review status: criteria provided, single submitter. Criteria: Invitae Variant Classification Sherloc (09022015). Collection method: clinical testing. Allele origin: germline.
Comment: In summary, the available evidence is currently insufficient to determine the role of this variant in disease. Therefore, it has been classified as a Variant of Uncertain Significance. Advanced modeling of protein sequence and biophysical properties (such as structural, functional, and spatial information, amino acid conservation, physicochemical variation, residue mobility, and thermodynamic stability) performed at Invitae indicates that this missense variant is not expected to disrupt DEAF1 protein function. This variant has not been reported in the literature in individuals affected with DEAF1-related conditions. This variant is not present in population databases (gnomAD no frequency). This sequence change replaces threonine, which is neutral and polar, with serine, which is neutral and polar, at codon 466 of the DEAF1 protein (p.Thr466Ser).